The following is an entry in ClinVar:

NM_001370466.1(NOD2):c.1057G>A (p.Gly353Ser)

Gene: NOD2 (nucleotide binding oligomerization domain containing 2; plus strand). Cytogenetic location: 16q12.1.
Variant type: single nucleotide variant.
Coding change: c.1057G>A on transcript NM_001370466.1 (MANE Select); coding-DNA position 1057, G replaced by A.
Protein change: p.Gly353Ser; replaces glycine 353 with serine.
Molecular consequence: missense variant. On other transcripts: non-coding transcript variant (1).
Genome position (GRCh38, 1-based): chr16:50,711,049, G>A. VCF-style: chr16-50711049-G-A. GRCh37 (hg19) VCF-style: chr16-50744960-G-A.
Other names: c.1057G>A, p.Gly353Ser (NM_001293557.2); c.1138G>A, p.Gly380Ser (NM_022162.3); short protein forms G380S, G353S.
Identifiers: ClinVar variation 1958657 (VCV001958657.5), dbSNP rs2506403156, ClinGen allele CA395868301.

ClinVar aggregate classification (germline): Uncertain significance (1 of 4 stars; one submission).

Conditions:
Blau syndrome (BLAUS). Also called: JABS SYNDROME; ARTHROCUTANEOUVEAL GRANULOMATOSIS; GRANULOMATOSIS, FAMILIAL JUVENILE SYSTEMIC; GRANULOMATOSIS, FAMILIAL, BLAU TYPE; GRANULOMATOUS INFLAMMATORY ARTHRITIS, DERMATITIS, AND UVEITIS, FAMILIAL. Identifiers: Orphanet 90340, MedGen C5201146, MONDO:0008523, OMIM 186580.
Regional enteritis. Also called: Enteritis, Granulomatous. Identifiers: MedGen C0678202, MeSH D003424.

Submission:

Labcorp Genetics (formerly Invitae), Labcorp
Classification: Uncertain significance for Regional enteritis; Blau syndrome. Last evaluated: 2022-03-14. Review status: criteria provided, single submitter. Criteria: Invitae Variant Classification Sherloc (09022015). Collection method: clinical testing. Allele origin: germline.
Comment: In summary, the available evidence is currently insufficient to determine the role of this variant in disease. Therefore, it has been classified as a Variant of Uncertain Significance. Algorithms developed to predict the effect of missense changes on protein structure and function (SIFT, PolyPhen-2, Align-GVGD) all suggest that this variant is likely to be disruptive. This variant has not been reported in the literature in individuals affected with NOD2-related conditions. This variant is not present in population databases (gnomAD no frequency). This sequence change replaces glycine, which is neutral and non-polar, with serine, which is neutral and polar, at codon 380 of the NOD2 protein (p.Gly380Ser).